The following is an entry in ClinVar:

ClinVar aggregate classification (germline): Benign. Review status: criteria provided, multiple submitters, no conflicts (2 of 4 stars). 4 submissions from 4 submitters: Benign (3). 1 of the submissions does not count toward it. Last evaluated 2026-02-04.

Conditions:
KMT2B-related disorder. Also called: KMT2B-related disorders; KMT2B-related condition. Identifiers: MedGen CN381338.

Allele frequency attached by ClinVar (database versions not stated): ESP Exome Variant Server 0.08992; TOPMed 0.09239; 1000 Genomes Project 0.10024; gnomAD 0.10171 and 0.10259; 1000 Genomes Project 30x 0.10197; gnomAD exomes 0.10870; ExAC 0.11005.
gnomAD v4.1: 162,914 of 1,613,626 alleles (10%); highest among the groups gnomAD compares: South Asian, 11%; 8,840 homozygotes.

Submissions (4):

Labcorp Genetics (formerly Invitae), Labcorp
Classification: Benign. Last evaluated: 2026-02-04. Review status: criteria provided, single submitter. Criteria: Invitae Variant Classification Sherloc (09022015). Collection method: clinical testing. Allele origin: germline.

GeneDx
Classification: Benign. Last evaluated: 2018-09-13. Review status: criteria provided, single submitter. Criteria: GeneDx Variant Classification Process June 2021. Collection method: clinical testing. Allele origin: germline. Affected: yes.

Breakthrough Genomics
Classification: Benign. Review status: criteria provided, single submitter. Criteria: ACMG Guidelines, 2015. Collection method: not provided. Allele origin: germline. Inheritance: Autosomal dominant inheritance. Affected: yes.

PreventionGenetics, part of Exact Sciences
Classification: Benign for KMT2B-related condition. Last evaluated: 2019-11-18. Review status: no assertion criteria provided. Collection method: clinical testing. Allele origin: germline. Not counted in ClinVar's aggregate classification.
Comment: This variant is classified as benign based on ACMG/AMP sequence variant interpretation guidelines (Richards et al. 2015 PMID: 25741868, with internal and published modifications).

NM_014727.3(KMT2B):c.5486C>T (p.Pro1829Leu)

Gene: KMT2B (lysine methyltransferase 2B; plus strand). Cytogenetic location: 19q13.12.
Variant type: single nucleotide variant.
Coding change: c.5486C>T on transcript NM_014727.3 (MANE Select); coding-DNA position 5486, C replaced by T.
Protein change: p.Pro1829Leu; replaces proline 1829 with leucine.
Molecular consequence: missense variant.
Genome position (GRCh38, 1-based): chr19:35,731,956, C>T. VCF-style: chr19-35731956-C-T. GRCh37 (hg19) VCF-style: chr19-36222857-C-T.
Other names: short protein forms P1829L.
Identifiers: ClinVar variation 1278107 (VCV001278107.12), dbSNP rs16970649, ClinGen allele CA9385435.